The following is an entry in ClinVar:

NM_003073.5(SMARCB1):c.826del (p.Val276fs)

Gene: SMARCB1 (SWI/SNF related BAF chromatin remodeling complex subunit B1; plus strand). Cytogenetic location: 22q11.23.
Variant type: Deletion.
Coding change: c.826del on transcript NM_003073.5 (MANE Select); coding-DNA position 826, one base deleted (G; older notation c.826delG).
Protein change: p.Val276fs; shifts the reading frame from valine 276.
Molecular consequence: frameshift variant.
Genome position (GRCh38, 1-based): chr22:23,825,255, G deleted; the last of 2 consecutive G bases (chr22:23,825,254-23,825,255); deleting either gives the same sequence. VCF-style (leftmost placement, unchanged base first): chr22-23825253-TG-T. GRCh37 (hg19) VCF-style: chr22-24167440-TG-T.
Other names: c.853del, p.Val285fs (NM_001317946.2); c.880del, p.Val294fs (NM_001362877.2); c.799del, p.Val267fs (NM_001007468.3); short protein forms V267fs, V276fs, V285fs, V294fs.
Identifiers: ClinVar variation 3633186 (VCV003633186.2).

ClinVar aggregate classification (germline): Pathogenic (1 of 4 stars; one submission).

Submission:

Labcorp Genetics (formerly Invitae), Labcorp
Classification: Pathogenic. Last evaluated: 2024-01-25. Review status: criteria provided, single submitter. Criteria: Invitae Variant Classification Sherloc (09022015). Collection method: clinical testing. Allele origin: germline.
Comment: This sequence change creates a premature translational stop signal (p.Val276Trpfs*20) in the SMARCB1 gene. It is expected to result in an absent or disrupted protein product. Loss-of-function variants in SMARCB1 are known to be pathogenic (PMID: 10521299, 21208904). This variant is not present in population databases (gnomAD no frequency). This variant has not been reported in the literature in individuals affected with SMARCB1-related conditions. For these reasons, this variant has been classified as Pathogenic.

Literature cited by the submitters: PubMed 10521299; PubMed 21208904.